The following is an entry in ClinVar:

ClinVar aggregate classification (germline): Uncertain significance (1 of 4 stars; one submission).

Conditions:
TALDO1-related disorder. Also called: TALDO1-related condition.

gnomAD v4.1: 3 of 1,597,214 alleles (0.00019%); highest among the groups gnomAD compares: Admixed American, 0.0051%; no homozygotes.

Submission:

PreventionGenetics, part of Exact Sciences
Classification: Uncertain significance for TALDO1-related condition. Last evaluated: 2026-08-01. Review status: criteria provided, single submitter. Criteria: ACMG Guidelines, 2015. Collection method: clinical testing. Allele origin: germline.
Comment: The TALDO1 c.8G>C variant is predicted to result in the amino acid substitution p.Ser3Thr. To our knowledge, this variant has not been reported in the literature. This variant is reported in 0.0092% of alleles in individuals of Latino descent in gnomAD. At this time, the clinical significance of this variant is uncertain due to the absence of conclusive functional and genetic evidence.

NM_006755.2(TALDO1):c.8G>C (p.Ser3Thr)

Gene: TALDO1 (transaldolase 1; plus strand). Cytogenetic location: 11p15.5.
Variant type: single nucleotide variant.
Coding change: c.8G>C on transcript NM_006755.2 (MANE Select); coding-DNA position 8, G replaced by C.
Protein change: p.Ser3Thr; replaces serine 3 with threonine.
Molecular consequence: missense variant.
Genome position (GRCh38, 1-based): chr11:747,489, G>C. VCF-style: chr11-747489-G-C. GRCh37 (hg19) VCF-style: chr11-747489-G-C.
Other names: short protein forms S3T.
Identifiers: ClinVar variation 4990497 (VCV004990497.1).